The following is an entry in ClinVar:

NM_014314.4(RIGI):c.1915C>T (p.Leu639Phe)

Gene: RIGI (RNA sensor RIG-I; minus strand). Cytogenetic location: 9p21.1.
Variant type: single nucleotide variant.
Coding change: c.1915C>T on transcript NM_014314.4 (MANE Select); coding-DNA position 1915, C replaced by T.
Protein change: p.Leu639Phe; replaces leucine 639 with phenylalanine.
Molecular consequence: missense variant.
Genome position (GRCh38, 1-based): chr9:32,476,991, G>A on the plus strand (C>T on the coding strand, the complement: RIGI is on the minus strand). VCF-style: chr9-32476991-G-A. GRCh37 (hg19) VCF-style: chr9-32476989-G-A.
Other names: c.1909C>T, p.Leu637Phe (NM_001385907.1); c.1915C>T, p.Leu639Phe (NM_001385909.1); c.1474C>T, p.Leu492Phe (NM_001385910.1); c.1306C>T, p.Leu436Phe (NM_001385912.1); c.1900C>T, p.Leu634Phe (NM_001385913.1); c.1471C>T, p.Leu491Phe (NM_001385914.1); short protein forms L634F, L491F, L637F, L639F, L436F, L492F.
Identifiers: ClinVar variation 4700848 (VCV004700848.1).

ClinVar aggregate classification (germline): Uncertain significance (1 of 4 stars; one submission).

gnomAD v4.1: 2 of 1,613,258 alleles (0.00012%); highest among the groups gnomAD compares: Non-Finnish European, 0.00017%; no homozygotes.

Submission:

Labcorp Genetics (formerly Invitae), Labcorp
Classification: Uncertain significance. Last evaluated: 2026-01-20. Review status: criteria provided, single submitter. Criteria: Invitae Variant Classification Sherloc (09022015). Collection method: clinical testing. Allele origin: germline.
Comment: This sequence change replaces leucine, which is neutral and non-polar, with phenylalanine, which is neutral and non-polar, at codon 639 of the DDX58 protein (p.Leu639Phe). This variant is not present in population databases (gnomAD no frequency). This variant has not been reported in the literature in individuals affected with DDX58-related conditions. Invitae Evidence Modeling of protein sequence and biophysical properties (such as structural, functional, and spatial information, amino acid conservation, physicochemical variation, residue mobility, and thermodynamic stability) indicates that this missense variant is expected to disrupt DDX58 protein function with a positive predictive value of 80%. In summary, the available evidence is currently insufficient to determine the role of this variant in disease. Therefore, it has been classified as a Variant of Uncertain Significance.